The following is an entry in ClinVar:

ClinVar aggregate classification (germline): Uncertain significance. Review status: criteria provided, multiple submitters, no conflicts (2 of 4 stars). 3 submissions from 3 submitters: Uncertain significance (3). Last evaluated 2026-02-02.

Conditions:
Neuropathy, hereditary sensory and autonomic, type 2A (HSAN2A). Also called: ACROOSTEOLYSIS, NEUROGENIC; ACROOSTEOLYSIS, GIACCAI TYPE; MORVAN DISEASE; NEUROPATHY, CONGENITAL SENSORY; NEUROPATHY, HEREDITARY SENSORY RADICULAR, AUTOSOMAL RECESSIVE; NEUROPATHY, HEREDITARY SENSORY, TYPE IIA. Identifiers: Orphanet 970, MedGen C2752089, MONDO:0024309, OMIM 201300.
Generalized epilepsy with febrile seizures plus, type 7 (GEFSP7). Also called: GEFS+, TYPE 7. Identifiers: Orphanet 36387, MedGen C2751778, MONDO:0013470, OMIM 613863.
Inborn genetic diseases. Identifiers: MedGen C0950123, MeSH D030342.

Allele frequency attached by ClinVar (database versions not stated): gnomAD exomes 0.00002; ExAC 0.00003; gnomAD 0.00003; TOPMed 0.00003.
gnomAD v4.1: 37 of 1,614,166 alleles (0.0023%); highest among the groups gnomAD compares: Non-Finnish European, 0.0027%; no homozygotes.

Submissions (3):

Labcorp Genetics (formerly Invitae), Labcorp
Classification: Uncertain significance for Neuropathy, hereditary sensory and autonomic, type 2A; Generalized epilepsy with febrile seizures plus, type 7. Last evaluated: 2026-02-02. Review status: criteria provided, single submitter. Criteria: Invitae Variant Classification Sherloc (09022015). Collection method: clinical testing. Allele origin: germline.
Comment: This sequence change replaces aspartic acid, which is acidic and polar, with asparagine, which is neutral and polar, at codon 1703 of the SCN9A protein (p.Asp1703Asn). This variant is present in population databases (rs200733722, gnomAD 0.004%). This variant has not been reported in the literature in individuals affected with SCN9A-related conditions. ClinVar contains an entry for this variant (Variation ID: 471139). Invitae Evidence Modeling of protein sequence and biophysical properties (such as structural, functional, and spatial information, amino acid conservation, physicochemical variation, residue mobility, and thermodynamic stability) indicates that this missense variant is not expected to disrupt SCN9A protein function with a negative predictive value of 95%. In summary, the available evidence is currently insufficient to determine the role of this variant in disease. Therefore, it has been classified as a Variant of Uncertain Significance.

Ambry Genetics
Classification: Uncertain significance for Inborn genetic diseases. Last evaluated: 2023-09-06. Review status: criteria provided, single submitter. Criteria: Ambry Variant Classification Scheme 2023. Collection method: clinical testing. Allele origin: germline.
Comment: The c.5107G>A (p.D1703N) alteration is located in exon 27 (coding exon 26) of the SCN9A gene. This alteration results from a G to A substitution at nucleotide position 5107, causing the aspartic acid (D) at amino acid position 1703 to be replaced by an asparagine (N). The alteration is ultra rare in population databases:_x000D_ _x000D_ Based on data from the Genome Aggregation Database (gnomAD), the SCN9A c.5107G>A alteration was observed in 0.002% (5/250,884) of total alleles studied. The altered amino acid is conserved throughout evolution:_x000D_ _x000D_ The p.D1703 amino acid is conserved in available vertebrate species. In silico prediction is conflicting:_x000D_ _x000D_ The p.D1703N alteration is predicted to be probably damaging by Polyphen and tolerated by SIFT in silico analyses. Based on insufficient or conflicting evidence, the clinical significance of this alteration remains unclear.

GeneDx
Classification: Uncertain significance. Last evaluated: 2023-03-31. Review status: criteria provided, single submitter. Criteria: GeneDx Variant Classification Process June 2021. Collection method: clinical testing. Allele origin: germline. Affected: yes.
Comment: In silico analysis supports that this missense variant has a deleterious effect on protein structure/function; Has not been previously published as pathogenic or benign to our knowledge; This substitution is predicted to be within the pore forming loop between the S5 and S6 transmembrane segments of the fourth homologous domain

Literature cited by the submitters: PubMed 37079850 (cited by Ambry Genetics).

NM_001365536.1(SCN9A):c.5140G>A (p.Asp1714Asn)

Genes: SCN1A-AS1 (SCN1A and SCN9A antisense RNA 1; plus strand), SCN9A (sodium voltage-gated channel alpha subunit 9; minus strand). Cytogenetic location: 2q24.3.
Variant type: single nucleotide variant.
Coding change: c.5140G>A on transcript NM_001365536.1 (MANE Select); coding-DNA position 5140, G replaced by A.
Protein change: p.Asp1714Asn; replaces aspartic acid 1714 with asparagine.
Molecular consequence: missense variant.
Genome position (GRCh38, 1-based): chr2:166,199,499, C>T on the plus strand (G>A on the coding strand, the complement: SCN9A is on the minus strand). VCF-style: chr2-166199499-C-T. GRCh37 (hg19) VCF-style: chr2-167056009-C-T.
Other names: c.5107G>A, p.Asp1703Asn (NM_002977.4); short protein forms D1703N, D1714N.
Identifiers: ClinVar variation 471139 (VCV000471139.14), dbSNP rs200733722, ClinGen allele CA1943724.